The following is an entry in ClinVar:

NM_000051.4(ATM):c.2061G>A (p.Lys687=)

Gene: ATM (ATM serine/threonine kinase; plus strand). Cytogenetic location: 11q22.3.
Variant type: single nucleotide variant.
Coding change: c.2061G>A on transcript NM_000051.4 (MANE Select); coding-DNA position 2061, G replaced by A.
Protein change: p.Lys687=; no amino-acid change (lysine 687 retained).
Molecular consequence: synonymous variant.
Genome position (GRCh38, 1-based): chr11:108,253,976, G>A. VCF-style: chr11-108253976-G-A. GRCh37 (hg19) VCF-style: chr11-108124703-G-A.
Other names: c.2061G>A, p.Lys687= (NM_001351834.2).
Identifiers: ClinVar variation 3254030 (VCV003254030.1), dbSNP rs2135370215.
Genomic context (GRCh38, chr11:108,253,976, plus strand): 5'-AGAATGTGGTATAGAAAAGCACCAGTCCAGTATTGGCTTCTCTGTCCACCAGAATCTCAA[G>A]GAATCACTGGATCGCTGTCTTCTGGGATTATCAGAACAGCTTCTGAATAATTACTCATCT-3'
Protein context (NP_000042.3, residues 677-697): SIGFSVHQNL[Lys687=]ESLDRCLLGL

ClinVar aggregate classification (germline): Benign (1 of 4 stars; one submission).

Conditions:
Familial cancer of breast. Also called: BREAST CANCER, FAMILIAL; Hereditary breast cancer; hereditary breast carcinoma. Identifiers: Orphanet 227535, MedGen C0346153, MONDO:0016419, OMIM 114480. Disease mechanism: loss of function.

Submission:

Myriad Genetics, Inc.
Classification: Benign for Familial cancer of breast. Last evaluated: 2024-05-07. Review status: criteria provided, single submitter. Criteria: Myriad Autosomal Dominant, Autosomal Recessive and X-Linked Classification Criteria (2023). Collection method: clinical testing. Allele origin: unknown.
Comment: This variant is considered benign. This variant is a silent/synonymous amino acid change and it is not expected to impact splicing.